The following is an entry in ClinVar:

ClinVar aggregate classification (germline): Uncertain significance (1 of 4 stars; one submission).

Submission:

Labcorp Genetics (formerly Invitae), Labcorp
Classification: Uncertain significance. Last evaluated: 2022-07-29. Review status: criteria provided, single submitter. Criteria: Invitae Variant Classification Sherloc (09022015). Collection method: clinical testing. Allele origin: germline.
Comment: This sequence change falls in intron 2 of the TBX20 gene. It does not directly change the encoded amino acid sequence of the TBX20 protein. Information on the frequency of this variant in the gnomAD database is not available, as this variant may be reported differently in the database. This variant has not been reported in the literature in individuals affected with TBX20-related conditions. Experimental studies and prediction algorithms are not available or were not evaluated, and the effect of this variant on mRNA splicing is currently unknown. In summary, the available evidence is currently insufficient to determine the role of this variant in disease. Therefore, it has been classified as a Variant of Uncertain Significance.

NM_001077653.2(TBX20):c.381-18_381-17delinsAG

Gene: TBX20 (T-box transcription factor 20; minus strand). Cytogenetic location: 7p14.2.
Variant type: Indel.
Coding change: c.381-18_381-17delinsAG on transcript NM_001077653.2 (MANE Select); 18 bases into the intron before coding-DNA position 381 through 17 bases into the intron before coding-DNA position 381, TC replaced by AG.
Molecular consequence: intron variant.
Genome position (GRCh38, 1-based): chr7:35,248,858-35,248,859, GA replaced by CT on the plus strand (TC replaced by AG on the coding strand, the reverse complement: TBX20 is on the minus strand). VCF-style: chr7-35248858-GA-CT. GRCh37 (hg19) VCF-style: chr7-35288470-GA-CT.
Other names: c.381-18_381-17delinsAG (NM_001166220.1).
Identifiers: ClinVar variation 2020155 (VCV002020155.4), dbSNP rs2546996559, ClinGen allele CA2580077074.